The following is an entry in ClinVar:

NM_000492.4(CFTR):c.2860C>T (p.His954Tyr)

Gene: CFTR (CF transmembrane conductance regulator; plus strand). Cytogenetic location: 7q31.2.
Variant type: single nucleotide variant.
Coding change: c.2860C>T on transcript NM_000492.4 (MANE Select); coding-DNA position 2860, C replaced by T.
Protein change: p.His954Tyr; replaces histidine 954 with tyrosine.
Molecular consequence: missense variant.
Genome position (GRCh38, 1-based): chr7:117,603,734, C>T. VCF-style: chr7-117603734-C-T. GRCh37 (hg19) VCF-style: chr7-117243788-C-T.
Other names: short protein forms H954Y.
Identifiers: ClinVar variation 1479079 (VCV001479079.8), dbSNP rs779528411, ClinGen allele CA4451302.

ClinVar aggregate classification (germline): Uncertain significance. Review status: criteria provided, multiple submitters, no conflicts (2 of 4 stars). 3 submissions from 3 submitters: Uncertain significance (2). 1 of the submissions does not count toward it. Last evaluated 2023-10-10.

Conditions:
Cystic fibrosis (CF). Also called: MUCOVISCIDOSIS. Identifiers: Orphanet 586, MedGen C0010674, MONDO:0009061, OMIM 219700. Disease mechanism: loss of function.
CFTR-related disorder (CFTR-RD). Also called: CFTR-related condition; CFTR-related disorders. Identifiers: MedGen C5924204, MONDO:7770004.

Allele frequency attached by ClinVar (database versions not stated): gnomAD exomes below 0.00001 and 0.00001; TOPMed below 0.00001; ExAC 0.00001; gnomAD 0.00001.
gnomAD v4.1: 6 of 1,613,904 alleles (0.00037%); highest among the groups gnomAD compares: Admixed American, 0.0033%; no homozygotes.

Submissions (3):

Ambry Genetics
Classification: Uncertain significance for Cystic fibrosis. Last evaluated: 2023-10-10. Review status: criteria provided, single submitter. Criteria: Ambry Variant Classification Scheme 2023. Collection method: clinical testing. Allele origin: germline.
Comment: The p.H954Y variant (also known as c.2860C>T), located in coding exon 17 of the CFTR gene, results from a C to T substitution at nucleotide position 2860. The histidine at codon 954 is replaced by tyrosine, an amino acid with similar properties. This amino acid position is not well conserved in available vertebrate species. In addition, the in silico prediction for this alteration is inconclusive. Since supporting evidence is limited at this time, the clinical significance of this alteration remains unclear.

Labcorp Genetics (formerly Invitae), Labcorp
Classification: Uncertain significance for Cystic fibrosis. Last evaluated: 2021-09-24. Review status: criteria provided, single submitter. Criteria: Invitae Variant Classification Sherloc (09022015). Collection method: clinical testing. Allele origin: germline.
Comment: This sequence change replaces histidine with tyrosine at codon 954 of the CFTR protein (p.His954Tyr). The histidine residue is moderately conserved and there is a moderate physicochemical difference between histidine and tyrosine. This variant is present in population databases (rs779528411, ExAC 0.009%). This variant has not been reported in the literature in individuals with CFTR-related conditions. Algorithms developed to predict the effect of missense changes on protein structure and function (SIFT, PolyPhen-2, Align-GVGD) all suggest that this variant is likely to be tolerated, but these predictions have not been confirmed by published functional studies and their clinical significance is uncertain. In summary, the available evidence is currently insufficient to determine the role of this variant in disease. Therefore, it has been classified as a Variant of Uncertain Significance.

PreventionGenetics, part of Exact Sciences
Classification: Uncertain significance for CFTR-related condition. Last evaluated: 2024-08-14. Review status: no assertion criteria provided. Collection method: clinical testing. Allele origin: germline. Not counted in ClinVar's aggregate classification.
Comment: The CFTR c.2860C>T variant is predicted to result in the amino acid substitution p.His954Tyr. To our knowledge, this variant has not been reported in the literature. This variant is reported in 0.0058% of alleles in individuals of Latino descent in gnomAD. At this time, the clinical significance of this variant is uncertain due to the absence of conclusive functional and genetic evidence.